The following is an entry in ClinVar:

ClinVar aggregate classification (germline): Uncertain significance. Review status: criteria provided, multiple submitters, no conflicts (2 of 4 stars). 2 submissions from 2 submitters: Uncertain significance (2). Last evaluated 2025-03-08.

Conditions:
Fanconi anemia (FA). Also called: Fanconi's anemia. Identifiers: Orphanet 84, MedGen C0015625, MeSH D005199, MONDO:0019391.
Inborn genetic diseases. Identifiers: MedGen C0950123, MeSH D030342.

Allele frequency attached by ClinVar (database versions not stated): ExAC 0.00001; gnomAD exomes 0.00001.
gnomAD v4.1: 3 of 1,614,184 alleles (0.00019%); highest among the groups gnomAD compares: East Asian, 0.0067%; no homozygotes.

Submissions (2):

Ambry Genetics
Classification: Uncertain significance for Inborn genetic diseases. Last evaluated: 2025-03-08. Review status: criteria provided, single submitter. Criteria: Ambry Variant Classification Scheme 2023. Collection method: clinical testing. Allele origin: germline.
Comment: The p.E594D variant (also known as c.1782A>C), located in coding exon 14 of the FANCG gene, results from an A to C substitution at nucleotide position 1782. The glutamic acid at codon 594 is replaced by aspartic acid, an amino acid with highly similar properties. This amino acid position is conserved. In addition, this alteration is predicted to be tolerated by in silico analysis. Based on the available evidence, the clinical significance of this variant remains unclear.

Labcorp Genetics (formerly Invitae), Labcorp
Classification: Uncertain significance for Fanconi anemia. Last evaluated: 2022-10-12. Review status: criteria provided, single submitter. Criteria: Invitae Variant Classification Sherloc (09022015). Collection method: clinical testing. Allele origin: germline.
Comment: This sequence change replaces glutamic acid, which is acidic and polar, with aspartic acid, which is acidic and polar, at codon 594 of the FANCG protein (p.Glu594Asp). This variant is present in population databases (rs775113723, gnomAD 0.02%). This variant has not been reported in the literature in individuals affected with FANCG-related conditions. Advanced modeling of protein sequence and biophysical properties (such as structural, functional, and spatial information, amino acid conservation, physicochemical variation, residue mobility, and thermodynamic stability) performed at Invitae indicates that this missense variant is not expected to disrupt FANCG protein function. In summary, the available evidence is currently insufficient to determine the role of this variant in disease. Therefore, it has been classified as a Variant of Uncertain Significance.

NM_004629.2(FANCG):c.1782A>C (p.Glu594Asp)

Gene: FANCG (FA complementation group G; minus strand). Cytogenetic location: 9p13.3.
Variant type: single nucleotide variant.
Coding change: c.1782A>C on transcript NM_004629.2 (MANE Select); coding-DNA position 1782, A replaced by C.
Protein change: p.Glu594Asp; replaces glutamic acid 594 with aspartic acid.
Molecular consequence: missense variant.
Genome position (GRCh38, 1-based): chr9:35,074,195, T>G on the plus strand (A>C on the coding strand, the complement: FANCG is on the minus strand). VCF-style: chr9-35074195-T-G. GRCh37 (hg19) VCF-style: chr9-35074192-T-G.
Other names: short protein forms E594D.
Identifiers: ClinVar variation 2161158 (VCV002161158.2), dbSNP rs775113723, ClinGen allele CA5039620.